The following is an entry in ClinVar:

NM_000368.5(TSC1):c.1591G>A (p.Val531Met)

Gene: TSC1 (TSC complex subunit 1; minus strand). Cytogenetic location: 9q34.13.
Variant type: single nucleotide variant.
Coding change: c.1591G>A on transcript NM_000368.5 (MANE Select); coding-DNA position 1591, G replaced by A.
Protein change: p.Val531Met; replaces valine 531 with methionine.
Molecular consequence: missense variant.
Genome position (GRCh38, 1-based): chr9:132,905,987, C>T on the plus strand (G>A on the coding strand, the complement: TSC1 is on the minus strand). VCF-style: chr9-132905987-C-T. GRCh37 (hg19) VCF-style: chr9-135781374-C-T.
Other names: c.1588G>A, p.Val530Met (NM_001162426.2); c.1438G>A, p.Val480Met (NM_001162427.2); c.1228G>A, p.Val410Met (NM_001362177.2); short protein forms V531M, V410M, V530M, V480M.
Identifiers: ClinVar variation 569217 (VCV000569217.22), dbSNP rs377279170, ClinGen allele CA029167.

ClinVar aggregate classification (germline): Conflicting classifications of pathogenicity. Review status: criteria provided, conflicting classifications (1 of 4 stars). 7 submissions from 7 submitters: Uncertain significance (3); Benign (1); Likely benign (3). Last evaluated 2026-02-03.

Conditions:
Hereditary cancer-predisposing syndrome. Also called: Hereditary neoplastic syndrome; Neoplastic Syndromes, Hereditary; Hereditary Cancer Syndrome; Tumor predisposition. Identifiers: Orphanet 140162, MedGen C0027672, MeSH D009386, MONDO:0015356.
Tuberous sclerosis 1 (TSC1). Identifiers: Orphanet 805, MedGen C1854465, MONDO:0008612, OMIM 191100.
Tuberous sclerosis syndrome (TSC). Also called: Tuberous sclerosis; Tuberous Sclerosis Complex. Identifiers: Orphanet 805, MedGen C0041341, MONDO:0001734.

Allele frequency attached by ClinVar (database versions not stated): TOPMed below 0.00001; gnomAD 0.00001; gnomAD exomes 0.00001 and 0.00002; ExAC 0.00003; ESP Exome Variant Server 0.00008.
gnomAD v4.1: 13 of 1,613,928 alleles (0.00081%); highest among the groups gnomAD compares: Middle Eastern, 0.016%; no homozygotes.

Submissions (7):

Labcorp Genetics (formerly Invitae), Labcorp
Classification: Benign for Tuberous sclerosis 1. Last evaluated: 2026-02-03. Review status: criteria provided, single submitter. Criteria: Invitae Variant Classification Sherloc (09022015). Collection method: clinical testing. Allele origin: germline.

Women's Health and Genetics/Laboratory Corporation of America, LabCorp
Classification: Uncertain significance. Last evaluated: 2025-06-06. Review status: criteria provided, single submitter. Criteria: LabCorp Variant Classification Summary - May 2015. Collection method: clinical testing. Allele origin: germline.
Comment: Variant summary: TSC1 c.1591G>A (p.Val531Met) results in a conservative amino acid change in the encoded protein sequence. Algorithms developed to predict the effect of missense changes on protein structure and function all suggest that this variant is likely to be tolerated. This frequency is not significantly higher than estimated for a pathogenic variant in TSC1 causing Tuberous Sclerosis Complex (8.1e-06 vs 2.5e-05), allowing no conclusion about variant significance. To our knowledge, no occurrence of c.1591G>A in individuals affected with Tuberous Sclerosis Complex and no experimental evidence demonstrating its impact on protein function have been reported. ClinVar contains an entry for this variant (Variation ID: 569217). Based on the evidence outlined above, the variant was classified as uncertain significance.

Color Diagnostics, LLC DBA Color Health
Classification: Likely benign for Tuberous sclerosis syndrome. Last evaluated: 2024-04-18. Review status: criteria provided, single submitter. Criteria: ACMG Guidelines, 2015. Collection method: clinical testing. Allele origin: germline.

Quest Diagnostics Nichols Institute San Juan Capistrano
Classification: Uncertain significance. Last evaluated: 2024-03-26. Review status: criteria provided, single submitter. Criteria: Quest Diagnostics criteria. Collection method: clinical testing. Allele origin: unknown.

Genome-Nilou Lab
Classification: Likely benign for Tuberous sclerosis 1. Last evaluated: 2021-11-07. Review status: criteria provided, single submitter. Criteria: ACMG Guidelines, 2015. Collection method: clinical testing. Allele origin: germline. Affected: no.

Sema4
Classification: Uncertain significance for Hereditary cancer-predisposing syndrome. Last evaluated: 2021-07-18. Review status: criteria provided, single submitter. Criteria: Sema4 Curation Guidelines. Collection method: curation. Allele origin: germline.
Comment: The TSC1 c.1591G>A (p.V531M) variant has not been reported in the literature to our knowledge. It was observed in 6/251332 chromosomes in the large and broad cohorts of the Genome Aggregation Database (PMID: 32461654). The variant has been reported in ClinVar (Variation ID: 569217). In silico tools suggest the impact of the variant on protein function is benign, though these predictions have not been confirmed by functional studies. The evidence is insufficient to meet ACMG/AMP criteria for classifying the variant as benign or pathogenic. Thus, the clinical significance of this variant is currently uncertain.

Ambry Genetics
Classification: Likely benign for Hereditary cancer-predisposing syndrome. Last evaluated: 2021-05-19. Review status: criteria provided, single submitter. Criteria: Ambry Variant Classification Scheme 2023. Collection method: clinical testing. Allele origin: germline.

Literature cited by the submitters: PubMed 29617669 (cited by Quest Diagnostics Nichols Institute San Juan Capistrano); PubMed 24631838 (cited by Quest Diagnostics Nichols Institute San Juan Capistrano).